The following is an entry in ClinVar:

NM_000548.5(TSC2):c.914G>A (p.Gly305Glu)

Gene: TSC2 (TSC complex subunit 2; plus strand). Cytogenetic location: 16p13.3.
Variant type: single nucleotide variant.
Coding change: c.914G>A on transcript NM_000548.5 (MANE Select); coding-DNA position 914, G replaced by A.
Protein change: p.Gly305Glu; replaces glycine 305 with glutamic acid.
Molecular consequence: missense variant. On other transcripts: 5 prime UTR variant (10), non-coding transcript variant (5).
Genome position (GRCh38, 1-based): chr16:2,058,812, G>A. VCF-style: chr16-2058812-G-A. GRCh37 (hg19) VCF-style: chr16-2108813-G-A.
Other names: c.-518G>A (NM_001406691.1, NM_001406692.1, NM_001406693.1 and 4 more transcripts); c.-399G>A (NM_001406694.1, NM_001406695.1); c.-694G>A (NM_001406698.1); c.914G>A, p.Gly305Glu (NM_021055.3, NM_001077183.3, NM_001114382.3 and 6 more transcripts); c.452G>A, p.Gly151Glu (NM_001406681.1); c.314G>A, p.Gly105Glu (NM_001406682.1, NM_001406683.1, NM_001406684.1 and 6 more transcripts); c.1004G>A, p.Gly335Glu (NM_001406668.1, NM_001406667.1); c.803G>A, p.Gly268Glu (NM_001406670.1, NM_001406678.1, NM_001318827.2); and 4 more; short protein forms G268E, G301E, G151E, G256E, G105E, G286E, G305E, G316E.
Identifiers: ClinVar variation 5031304 (VCV005031304.1).

ClinVar aggregate classification (germline): Uncertain significance (1 of 4 stars; one submission).

Conditions:
Hereditary cancer-predisposing syndrome. Also called: Neoplastic Syndromes, Hereditary; Tumor predisposition; Hereditary neoplastic syndrome; Hereditary Cancer Syndrome. Identifiers: Orphanet 140162, MedGen C0027672, MeSH D009386, MONDO:0015356.

gnomAD v4.1: 1 of 1,601,406 alleles (0.000062%); highest among the groups gnomAD compares: Non-Finnish European, 0.000085%; no homozygotes.

Submission:

Ambry Genetics
Classification: Uncertain significance for Hereditary cancer-predisposing syndrome. Last evaluated: 2026-06-26. Review status: criteria provided, single submitter. Criteria: Ambry Variant Classification Scheme 2023. Collection method: clinical testing. Allele origin: germline.
Comment: The p.G305E variant (also known as c.914G>A), located in coding exon 9 of the TSC2 gene, results from a G to A substitution at nucleotide position 914. The glycine at codon 305 is replaced by glutamic acid, an amino acid with similar properties. This amino acid position is conserved. In addition, this alteration is predicted to be deleterious by in silico analysis. Based on the available evidence, the clinical significance of this variant remains unclear.